The following is an entry in ClinVar:

NM_001852.4(COL9A2):c.364-16A>G

Gene: COL9A2 (collagen type IX alpha 2 chain; minus strand). Cytogenetic location: 1p34.2.
Variant type: single nucleotide variant.
Coding change: c.364-16A>G on transcript NM_001852.4 (MANE Select); 16 bases into the intron before coding-DNA position 364, A replaced by G.
Molecular consequence: intron variant.
Genome position (GRCh38, 1-based): chr1:40,312,128, T>C on the plus strand (A>G on the coding strand, the complement: COL9A2 is on the minus strand). VCF-style: chr1-40312128-T-C. GRCh37 (hg19) VCF-style: chr1-40777800-T-C.
Identifiers: ClinVar variation 445655 (VCV000445655.17), dbSNP rs1979785, ClinGen allele CA791968.

ClinVar aggregate classification (germline): Conflicting classifications of pathogenicity. Review status: criteria provided, conflicting classifications (1 of 4 stars). 6 submissions from 6 submitters: Uncertain significance (1); Likely benign (4). 1 of the submissions does not count toward it. Last evaluated 2026-01-26.

Conditions:
COL9A2-related disorder. Also called: COL9A2-related condition.

gnomAD v4.1: 789 of 1,595,702 alleles (0.049%); highest among the groups gnomAD compares: Non-Finnish European, 0.063%; no homozygotes.

Submissions (6):

Labcorp Genetics (formerly Invitae), Labcorp
Classification: Likely benign. Last evaluated: 2026-01-26. Review status: criteria provided, single submitter. Criteria: Invitae Variant Classification Sherloc (09022015). Collection method: clinical testing. Allele origin: germline.

Blueprint Genetics
Classification: Likely benign. Last evaluated: 2024-11-22. Review status: criteria provided, single submitter. Criteria: ACMG Guidelines, 2015. Collection method: clinical testing. Allele origin: germline.

Women's Health and Genetics/Laboratory Corporation of America, LabCorp
Classification: Likely benign. Last evaluated: 2023-10-25. Review status: criteria provided, single submitter. Criteria: LabCorp Variant Classification Summary - May 2015. Collection method: clinical testing. Allele origin: germline.
Comment: Variant summary: COL9A2 c.364-16A>G alters a nucleotide located at a position not widely known to affect splicing. Consensus agreement among computation tools predict no significant impact on normal splicing. However, these predictions have yet to be confirmed by functional studies. The variant allele was found at a frequency of 0.00051 in 220972 control chromosomes. To our knowledge, no occurrence of c.364-16A>G in individuals affected with Epiphyseal dysplasia, multiple, 2 and no experimental evidence demonstrating its impact on protein function have been reported. Three submitters have cited clinical-significance assessments for this variant to ClinVar after 2014. Based on the evidence outlined above, the variant was classified as likely benign.

GeneDx
Classification: Likely benign. Last evaluated: 2017-09-29. Review status: criteria provided, single submitter. Criteria: GeneDx Variant Classification (06012015). Collection method: clinical testing. Allele origin: germline. Affected: yes.
Comment: This variant is considered likely benign or benign based on one or more of the following criteria: it is a conservative change, it occurs at a poorly conserved position in the protein, it is predicted to be benign by multiple in silico algorithms, and/or has population frequency not consistent with disease.

Center for Pediatric Genomic Medicine, Children's Mercy Hospital and Clinics
Classification: Uncertain significance. Last evaluated: 2017-06-26. Review status: criteria provided, single submitter. Criteria: ACMG Guidelines, 2015. Collection method: clinical testing. Allele origin: germline.

PreventionGenetics, part of Exact Sciences
Classification: Likely benign for COL9A2-related condition. Last evaluated: 2023-12-20. Review status: no assertion criteria provided. Collection method: clinical testing. Allele origin: germline. Not counted in ClinVar's aggregate classification.
Comment: This variant is classified as likely benign based on ACMG/AMP sequence variant interpretation guidelines (Richards et al. 2015 PMID: 25741868, with internal and published modifications).